The following is an entry in ClinVar:

NM_145207.3(AFG2A):c.-1C>T

Gene: AFG2A (AFG2 AAA ATPase homolog A; plus strand). Cytogenetic location: 4q28.1.
Variant type: single nucleotide variant.
Coding change: c.-1C>T on transcript NM_145207.3 (MANE Select); 1 bases upstream of the start codon, C replaced by T.
Molecular consequence: 5 prime UTR variant.
Genome position (GRCh38, 1-based): chr4:122,923,142, C>T. VCF-style: chr4-122923142-C-T. GRCh37 (hg19) VCF-style: chr4-123844297-C-T.
Other names: c.-1C>T (NM_001317799.2, NM_001345856.2).
Identifiers: ClinVar variation 3372979 (VCV003372979.1).
Genomic context (GRCh38, chr4:122,923,142, plus strand): 5'-CAGTTGAAGCGCGCACATTGAGTCGGCTTTTCTACTGCTTCGGCTAGGGTACCTTGTGAC[C>T]ATGTCTTCCAAGAAGAATAGAAAGCGGTTGAACCAAAGCGCGGAAAATGGTTCGTCCTTG-3'

ClinVar aggregate classification (germline): Uncertain significance (1 of 4 stars; one submission).

gnomAD v4.1: 2 of 1,614,040 alleles (0.00012%); highest among the groups gnomAD compares: African/African-American, 0.0027%; no homozygotes.

Submission:

GeneDx
Classification: Uncertain significance. Last evaluated: 2024-04-26. Review status: criteria provided, single submitter. Criteria: GeneDx Variant Classification Process June 2021. Collection method: clinical testing. Allele origin: germline. Affected: yes.
Comment: Not observed at significant frequency in large population cohorts (gnomAD); Nucleotide is not conserved across species and the substitution has no predicted effect on splicing; Has not been previously published as pathogenic or benign to our knowledge; Alters the Kozak sequence, which plays a major role in the initiation of translation